The following is an entry in ClinVar:

NM_000112.4(SLC26A2):c.1958G>A (p.Cys653Tyr)

Gene: SLC26A2 (solute carrier family 26 member 2; plus strand). Cytogenetic location: 5q32.
Variant type: single nucleotide variant.
Coding change: c.1958G>A on transcript NM_000112.4 (MANE Select); coding-DNA position 1958, G replaced by A.
Protein change: p.Cys653Tyr; replaces cysteine 653 with tyrosine.
Molecular consequence: missense variant.
Genome position (GRCh38, 1-based): chr5:149,981,551, G>A. VCF-style: chr5-149981551-G-A. GRCh37 (hg19) VCF-style: chr5-149361114-G-A.
Other names: short protein forms C653Y.
Identifiers: ClinVar variation 1506360 (VCV001506360.7), dbSNP rs1179580843, ClinGen allele CA361709508.

ClinVar aggregate classification (germline): Conflicting classifications of pathogenicity. Review status: criteria provided, conflicting classifications (1 of 4 stars). 2 submissions from 2 submitters: Likely pathogenic (1); Uncertain significance (1). Last evaluated 2025-11-14.

Conditions:
Achondrogenesis, type IB (ACG1B). Also called: Achondrogenesis Type 1B. Identifiers: Orphanet 932, Orphanet 93298, MedGen C0265274, MONDO:0010966, OMIM 600972.
Diastrophic dysplasia (DTD). Also called: Diastrophic dwarfism. Identifiers: Orphanet 628, MedGen C0220726, MONDO:0009107, OMIM 222600.
Multiple epiphyseal dysplasia type 4 (EDM4). Also called: SLC26A2-Related Multiple Epiphyseal Dysplasia; Multiple Epiphyseal Dysplasia, Recessive; MULTIPLE EPIPHYSEAL DYSPLASIA WITH BILAYERED PATELLAE; MULTIPLE EPIPHYSEAL DYSPLASIA WITH CLUBFOOT; MULTIPLE EPIPHYSEAL DYSPLASIA, AUTOSOMAL RECESSIVE. Identifiers: Orphanet 93307, MedGen C1847593, MONDO:0009189, OMIM 226900.
Atelosteogenesis type II (AO2). Also called: NEONATAL OSSEOUS DYSPLASIA I; Neonatal osseous dysplasia 1; SLC26A2-Related Atelosteogenesis. Identifiers: Orphanet 56304, MedGen C1850554, MONDO:0009727, OMIM 256050.

Allele frequency attached by ClinVar (database versions not stated): TOPMed 0.00001.

Submissions (2):

Women's Health and Genetics/Laboratory Corporation of America, LabCorp
Classification: Uncertain significance. Last evaluated: 2025-11-14. Review status: criteria provided, single submitter. Criteria: LabCorp Variant Classification Summary - May 2015. Collection method: clinical testing. Allele origin: germline.
Comment: Variant summary: SLC26A2 c.1958G>A (p.Cys653Tyr) results in a non-conservative amino acid change in the encoded protein sequence. Algorithms developed to predict the effect of missense changes on protein structure and function all suggest that this variant is likely to be disruptive. The variant was absent in 251244 control chromosomes. The available data on variant occurrences in the general population are insufficient to allow any conclusion about variant significance. To our knowledge, no occurrence of c.1958G>A in individuals affected with SLC26A2-related conditions and no experimental evidence demonstrating its impact on protein function have been reported. A different variant affecting the same codon has been classified as pathogenic by our lab (c.1957T>A, p.Cys653Ser), however additional data is needed at this time to make unequivocal conclusions about this variant. ClinVar contains an entry for this variant (Variation ID: 1506360). Based on the evidence outlined above, the variant was classified as uncertain significance.

Labcorp Genetics (formerly Invitae), Labcorp
Classification: Likely pathogenic for Atelosteogenesis type II; Multiple epiphyseal dysplasia type 4; Achondrogenesis, type IB; Diastrophic dysplasia. Last evaluated: 2021-08-11. Review status: criteria provided, single submitter. Criteria: Invitae Variant Classification Sherloc (09022015). Collection method: clinical testing. Allele origin: germline.
Comment: In summary, the currently available evidence indicates that the variant is pathogenic, but additional data are needed to prove that conclusively. Therefore, this variant has been classified as Likely Pathogenic. This sequence change replaces cysteine with tyrosine at codon 653 of the SLC26A2 protein (p.Cys653Tyr). The cysteine residue is highly conserved and there is a large physicochemical difference between cysteine and tyrosine. This variant is not present in population databases (ExAC no frequency). This variant has not been reported in the literature in individuals affected with SLC26A2-related conditions. Advanced modeling of protein sequence and biophysical properties (such as structural, functional, and spatial information, amino acid conservation, physicochemical variation, residue mobility, and thermodynamic stability) performed at Invitae indicates that this missense variant is expected to disrupt SLC26A2 protein function. This variant disrupts the p.Cys653 amino acid residue in SLC26A2. Other variant(s) that disrupt this residue have been determined to be pathogenic (PMID: 11241838, 12966518, 20525296, 21077204). This suggests that this residue is clinically significant, and that variants that disrupt this residue are likely to be disease-causing.

Literature cited by the submitters: PubMed 11241838 (cited by Labcorp Genetics (formerly Invitae), Labcorp); PubMed 12966518 (cited by Labcorp Genetics (formerly Invitae), Labcorp); PubMed 20525296 (cited by Labcorp Genetics (formerly Invitae), Labcorp); PubMed 21077204 (cited by Labcorp Genetics (formerly Invitae), Labcorp).